The following is an entry in ClinVar:

NC_000016.9:g.(?_89811347)_(89833665_?)del

Gene: FANCA (FA complementation group A; minus strand). Cytogenetic location: 16q24.3.
Variant type: Deletion.
Identifiers: ClinVar variation 3243259 (VCV003243259.1).

ClinVar aggregate classification (germline): Pathogenic (1 of 4 stars; one submission).

Conditions:
Fanconi anemia (FA). Also called: Fanconi's anemia. Identifiers: Orphanet 84, MedGen C0015625, MeSH D005199, MONDO:0019391.

Submission:

Labcorp Genetics (formerly Invitae), Labcorp
Classification: Pathogenic for Fanconi anemia. Last evaluated: 2022-03-12. Review status: criteria provided, single submitter. Criteria: Invitae Variant Classification Sherloc (09022015). Collection method: clinical testing. Allele origin: unknown.
Comment: For these reasons, this variant has been classified as Pathogenic. The region of the FANCA gene that includes exon(s) 30 has been determined to be clinically significant (PMID: 10094191, 15523645, 17924555). Therefore, deletions that encompass that region are likely to be disease-causing. A similar copy number variant has been observed in individual(s) with Fanconi anemia (PMID: 17924555). In at least one individual the data is consistent with being in trans (on the opposite chromosome) from a pathogenic variant. This variant is a gross deletion of the genomic region encompassing exon(s) 27-36 of the FANCA gene. This variant would be expected to be in-frame, preserving the integrity of the reading frame.

Literature cited by the submitters: PubMed 10094191; PubMed 15523645; PubMed 17924555.